The following is an entry in ClinVar:

ClinVar aggregate classification (germline): Uncertain significance (1 of 4 stars; one submission).

gnomAD v4.1: 6 of 1,613,854 alleles (0.00037%); highest among the groups gnomAD compares: East Asian, 0.0022%; no homozygotes.

Submission:

Mayo Clinic Laboratories, Mayo Clinic
Classification: Uncertain significance. Last evaluated: 2024-02-05. Review status: criteria provided, single submitter. Criteria: ACMG Guidelines, 2015. Collection method: clinical testing. Allele origin: germline. Observed: 1 variant allele.
Comment: BP4, PM1_supporting, PM2_moderate

NM_024420.3(PLA2G4A):c.1912A>G (p.Ile638Val)

Gene: PLA2G4A (phospholipase A2 group IVA; plus strand). Cytogenetic location: 1q31.1.
Variant type: single nucleotide variant.
Coding change: c.1912A>G on transcript NM_024420.3 (MANE Select); coding-DNA position 1912, A replaced by G.
Protein change: p.Ile638Val; replaces isoleucine 638 with valine.
Molecular consequence: missense variant.
Genome position (GRCh38, 1-based): chr1:186,977,740, A>G. VCF-style: chr1-186977740-A-G. GRCh37 (hg19) VCF-style: chr1-186946872-A-G.
Other names: p.Ile638Val; c.1732A>G, p.Ile578Val (NM_001311193.2); short protein forms I578V, I638V.
Identifiers: ClinVar variation 3380242 (VCV003380242.1).
Genomic context (GRCh38, chr1:186,977,740, plus strand): 5'-AAGGAGTGCTATGTCTTTAAACCCAAGAATCCTGATATGGAGAAAGATTGCCCAACCATC[A>G]TCCACTTTGTTCTGGCCAACATCAACTTCAGAAAGTACAGGGCTCCAGGTAAGTAGGGAG-3'
Protein context (NP_077734.2, residues 628-648): PDMEKDCPTI[Ile638Val]HFVLANINFR